The following is an entry in ClinVar:

NM_001204.7(BMPR2):c.2398C>A (p.His800Asn)

Gene: BMPR2 (bone morphogenetic protein receptor type 2; plus strand). Cytogenetic location: 2q33.2.
Variant type: single nucleotide variant.
Coding change: c.2398C>A on transcript NM_001204.7 (MANE Select); coding-DNA position 2398, C replaced by A.
Protein change: p.His800Asn; replaces histidine 800 with asparagine.
Molecular consequence: missense variant.
Genome position (GRCh38, 1-based): chr2:202,556,063, C>A. VCF-style: chr2-202556063-C-A. GRCh37 (hg19) VCF-style: chr2-203420786-C-A.
Other names: short protein forms H800N.
Identifiers: ClinVar variation 3481249 (VCV003481249.1).

ClinVar aggregate classification (germline): Uncertain significance (1 of 4 stars; one submission).

Conditions:
Inborn genetic diseases. Identifiers: MedGen C0950123, MeSH D030342.

gnomAD v4.1: 30 of 1,614,074 alleles (0.0019%); highest among the groups gnomAD compares: Non-Finnish European, 0.0025%; no homozygotes.

Submission:

Ambry Genetics
Classification: Uncertain significance for Inborn genetic diseases. Last evaluated: 2024-11-28. Review status: criteria provided, single submitter. Criteria: Ambry Variant Classification Scheme 2023. Collection method: clinical testing. Allele origin: germline.
Comment: The p.H800N variant (also known as c.2398C>A), located in coding exon 12 of the BMPR2 gene, results from a C to A substitution at nucleotide position 2398. The histidine at codon 800 is replaced by asparagine, an amino acid with similar properties. This amino acid position is conserved. In addition, the in silico prediction for this alteration is inconclusive. Based on the available evidence, the clinical significance of this variant remains unclear.